The following is an entry in ClinVar:

NM_002382.5(MAX):c.439G>A (p.Glu147Lys)

Gene: MAX (MYC associated transcriptional regulator X; minus strand). Cytogenetic location: 14q23.3.
Variant type: single nucleotide variant.
Coding change: c.439G>A on transcript NM_002382.5 (MANE Select); coding-DNA position 439, G replaced by A.
Protein change: p.Glu147Lys; replaces glutamic acid 147 with lysine.
Molecular consequence: missense variant. On other transcripts: intron variant (2), 3 prime UTR variant (1).
Genome position (GRCh38, 1-based): chr14:65,076,520, C>T on the plus strand (G>A on the coding strand, the complement: MAX is on the minus strand). VCF-style: chr14-65076520-C-T. GRCh37 (hg19) VCF-style: chr14-65543238-C-T.
Other names: c.144+17188G>A (NM_001271069.2); c.171+17188G>A (NM_197957.4); c.250G>A, p.Glu84Lys (NM_001320415.2, NM_001407105.1, NM_001407106.1 and 1 more transcripts); c.439G>A, p.Glu147Lys (NM_001407094.1); c.412G>A, p.Glu138Lys (NM_001407095.1, NM_145112.3); c.*212G>A (NM_001407096.1, NM_001407099.1, NM_001407102.1 and 2 more transcripts); c.*228G>A (NM_001407097.1, NM_001407100.1, NM_001407101.1 and 4 more transcripts); c.331G>A, p.Glu111Lys (NM_001407098.1); and 1 more; short protein forms E147K, E84K, E138K, E80K, E111K.
Identifiers: ClinVar variation 959467 (VCV000959467.11), dbSNP rs2063059506, ClinGen allele CA390031320.

ClinVar aggregate classification (germline): Uncertain significance. Review status: criteria provided, multiple submitters, no conflicts (2 of 4 stars). 2 submissions from 2 submitters: Uncertain significance (2). Last evaluated 2026-09-08.

Conditions:
Hereditary pheochromocytoma and paraganglioma. Also called: Hereditary Paraganglioma-Pheochromocytoma Syndromes; Hereditary paragangliomas and pheochromocytomas; Hereditary pheochromocytoma-paraganglioma. Identifiers: Orphanet 29072, MedGen C4274332, MONDO:0017366.
Hereditary cancer-predisposing syndrome. Also called: Neoplastic Syndromes, Hereditary; Hereditary Cancer Syndrome; Tumor predisposition; Hereditary neoplastic syndrome. Identifiers: Orphanet 140162, MedGen C0027672, MeSH D009386, MONDO:0015356.

Submissions (2):

Ambry Genetics
Classification: Uncertain significance for Hereditary cancer-predisposing syndrome. Last evaluated: 2026-09-08. Review status: criteria provided, single submitter. Criteria: Ambry Variant Classification Scheme 2023. Collection method: clinical testing. Allele origin: germline.
Comment: The p.E147K variant (also known as c.439G>A), located in coding exon 5 of the MAX gene, results from a G to A substitution at nucleotide position 439. The glutamic acid at codon 147 is replaced by lysine, an amino acid with similar properties. This amino acid position is well conserved in available vertebrate species. In addition, this alteration is predicted to be deleterious by in silico analysis. Based on the available evidence, the clinical significance of this variant remains unclear.

Labcorp Genetics (formerly Invitae), Labcorp
Classification: Uncertain significance for Hereditary pheochromocytoma and paraganglioma. Last evaluated: 2023-12-19. Review status: criteria provided, single submitter. Criteria: Invitae Variant Classification Sherloc (09022015). Collection method: clinical testing. Allele origin: germline.
Comment: This sequence change replaces glutamic acid, which is acidic and polar, with lysine, which is basic and polar, at codon 147 of the MAX protein (p.Glu147Lys). This variant is not present in population databases (gnomAD no frequency). This variant has not been reported in the literature in individuals affected with MAX-related conditions. ClinVar contains an entry for this variant (Variation ID: 959467). An algorithm developed to predict the effect of missense changes on protein structure and function (PolyPhen-2) suggests that this variant is likely to be tolerated. In summary, the available evidence is currently insufficient to determine the role of this variant in disease. Therefore, it has been classified as a Variant of Uncertain Significance.